The following is an entry in ClinVar:

ClinVar aggregate classification (germline): Uncertain significance (1 of 4 stars; one submission).

Conditions:
Developmental and epileptic encephalopathy, 32 (DEE32). Also called: Epileptic encephalopathy, early infantile, 32. Identifiers: Orphanet 442835, MedGen C4225350, MONDO:0014607, OMIM 616366.

Allele frequency attached by ClinVar (database versions not stated): TOPMed below 0.00001; gnomAD exomes 0.00001.
gnomAD v4.1: 8 of 1,614,252 alleles (0.0005%); highest among the groups gnomAD compares: Non-Finnish European, 0.00068%; no homozygotes.

Submission:

Labcorp Genetics (formerly Invitae), Labcorp
Classification: Uncertain significance for Developmental and epileptic encephalopathy, 32. Last evaluated: 2022-11-07. Review status: criteria provided, single submitter. Criteria: Invitae Variant Classification Sherloc (09022015). Collection method: clinical testing. Allele origin: germline.
Comment: This sequence change replaces threonine, which is neutral and polar, with isoleucine, which is neutral and non-polar, at codon 216 of the KCNA2 protein (p.Thr216Ile). In summary, the available evidence is currently insufficient to determine the role of this variant in disease. Therefore, it has been classified as a Variant of Uncertain Significance. Advanced modeling of protein sequence and biophysical properties (such as structural, functional, and spatial information, amino acid conservation, physicochemical variation, residue mobility, and thermodynamic stability) performed at Invitae indicates that this missense variant is not expected to disrupt KCNA2 protein function. This variant has not been reported in the literature in individuals affected with KCNA2-related conditions. This variant is not present in population databases (gnomAD no frequency).

NM_004974.4(KCNA2):c.647C>T (p.Thr216Ile)

Gene: KCNA2 (potassium voltage-gated channel subfamily A member 2; minus strand). Cytogenetic location: 1p13.3.
Variant type: single nucleotide variant.
Coding change: c.647C>T on transcript NM_004974.4 (MANE Select); coding-DNA position 647, C replaced by T.
Protein change: p.Thr216Ile; replaces threonine 216 with isoleucine.
Molecular consequence: missense variant.
Genome position (GRCh38, 1-based): chr1:110,604,136, G>A on the plus strand (C>T on the coding strand, the complement: KCNA2 is on the minus strand). VCF-style: chr1-110604136-G-A. GRCh37 (hg19) VCF-style: chr1-111146758-G-A.
Other names: c.647C>T, p.Thr216Ile (NM_001204269.2); short protein forms T216I.
Identifiers: ClinVar variation 1717064 (VCV001717064.6), dbSNP rs1649484746, ClinGen allele CA341603527.